The following is an entry in ClinVar:

NM_000834.5(GRIN2B):c.1988T>A (p.Val663Asp)

Gene: GRIN2B (glutamate ionotropic receptor NMDA type subunit 2B; minus strand). Cytogenetic location: 12p13.1.
Variant type: single nucleotide variant.
Coding change: c.1988T>A on transcript NM_000834.5 (MANE Select); coding-DNA position 1988, T replaced by A.
Protein change: p.Val663Asp; replaces valine 663 with aspartic acid.
Molecular consequence: missense variant.
Genome position (GRCh38, 1-based): chr12:13,608,625, A>T on the plus strand (T>A on the coding strand, the complement: GRIN2B is on the minus strand). VCF-style: chr12-13608625-A-T. GRCh37 (hg19) VCF-style: chr12-13761559-A-T.
Other names: c.1988T>A, p.Val663Asp (NM_001413992.1); short protein forms V663D.
Identifiers: ClinVar variation 4879808 (VCV004879808.1).

ClinVar aggregate classification (germline): Likely pathogenic (1 of 4 stars; one submission).

Conditions:
GRIN2B-related complex neurodevelopmental disorder. Identifiers: MedGen CN379886, MONDO:0700350.

Submission:

Victorian Clinical Genetics Services, Murdoch Childrens Research Institute
Classification: Likely pathogenic for GRIN2B-related complex neurodevelopmental disorder. Last evaluated: 2026-07-22. Review status: criteria provided, single submitter. Criteria: ACMG Guidelines, 2015. Collection method: clinical testing. Allele origin: germline. Affected: yes.
Comment: This variant is classified as Likely pathogenic. Evidence in support of pathogenic classification: This variant is absent from gnomAD v4; Missense variant in a region that is highly intolerant to missense variation (high constraint region in DECIPHER); Missense variant predicted to be damaging by in silico tool(s) and/or highly conserved with a major amino acid change; Additional information: This variant is predicted to result in a missense amino acid change from Val to Asp; This variant is heterozygous; This gene is associated with autosomal dominant disease; This variant has no previous evidence of pathogenicity; No published evidence of segregation with disease has been identified for this variant; No published functional evidence has been identified for this variant; No comparable variants have previous evidence for pathogenicity; Loss of function and gain of function are known mechanisms of disease in this gene and are associated with GRIN2B-related complex neurodevelopmental disorder (MONDO:0700350). Protein truncating variants have a loss of function mechanism, whereas missense variants have been proven to have a gain of function mechanism (PMID: 28377535); Variants in this gene are known to have variable expressivity. The severity of clinical features varies (PMID: 28377535).

Literature cited by the submitters: PubMed 28377535.